The following is an entry in ClinVar:

NM_002087.4(GRN):c.808C>T (p.Leu270Phe)

Gene: GRN (granulin precursor; plus strand). Cytogenetic location: 17q21.31.
Variant type: single nucleotide variant.
Coding change: c.808C>T on transcript NM_002087.4 (MANE Select); coding-DNA position 808, C replaced by T.
Protein change: p.Leu270Phe; replaces leucine 270 with phenylalanine.
Molecular consequence: missense variant.
Genome position (GRCh38, 1-based): chr17:44,351,136, C>T. VCF-style: chr17-44351136-C-T. GRCh37 (hg19) VCF-style: chr17-42428504-C-T.
Other names: short protein forms L270F.
Identifiers: ClinVar variation 571280 (VCV000571280.8), dbSNP rs1567887059, ClinGen allele CA399764743.
Genomic context (GRCh38, chr17:44,351,136, plus strand): 5'-GACACTGTGTGTGACCTGATCCAGAGTAAGTGCCTCTCCAAGGAGAACGCTACCACGGAC[C>T]TCCTCACTAAGCTGCCTGCGCACACAGGTACCAGAGGCAGGGTGCAGATACAGGGGTGGG-3'
Protein context (NP_002078.1, residues 260-280): CLSKENATTD[Leu270Phe]LTKLPAHTVG

ClinVar aggregate classification (germline): Uncertain significance (1 of 4 stars; one submission).

Conditions:
Neuronal ceroid lipofuscinosis 11. Also called: GRN-Related Neuronal Ceroid-Lipofuscinosis. Identifiers: Orphanet 314629, Orphanet 79262, MedGen C3539123, MONDO:0013866, OMIM 614706.
GRN-related frontotemporal lobar degeneration with Tdp43 inclusions (FTD2). Also called: GRN Frontotemporal Dementia; FRONTOTEMPORAL DEMENTIA WITH TDP43 INCLUSIONS, GRN-RELATED; DEMENTIA, HEREDITARY DYSPHASIC DISINHIBITION; FRONTOTEMPORAL LOBAR DEGENERATION WITH UBIQUITIN-POSITIVE INCLUSIONS; FTLD-TDP, GRN-RELATED. Identifiers: Orphanet 100070, Orphanet 282, MedGen C1843792, MONDO:0011842, OMIM 607485. Disease mechanism: loss of function.

Allele frequency attached by ClinVar (database versions not stated): gnomAD exomes below 0.00001.
gnomAD v4.1: 1 of 1,614,142 alleles (0.000062%); highest among the groups gnomAD compares: Non-Finnish European, 0.000085%; no homozygotes.

Submission:

Labcorp Genetics (formerly Invitae), Labcorp
Classification: Uncertain significance for Neuronal ceroid lipofuscinosis 11; GRN-related frontotemporal lobar degeneration with Tdp43 inclusions. Last evaluated: 2018-06-07. Review status: criteria provided, single submitter. Criteria: Invitae Variant Classification Sherloc (09022015). Collection method: clinical testing. Allele origin: germline.
Comment: In summary, the available evidence is currently insufficient to determine the role of this variant in disease. Therefore, it has been classified as a Variant of Uncertain Significance. Algorithms developed to predict the effect of missense changes on protein structure and function output the following: SIFT: "Tolerated"; PolyPhen-2: "Benign"; Align-GVGD: "Class C0". The phenylalanine amino acid residue is found in multiple mammalian species, suggesting that this missense change does not adversely affect protein function. These predictions have not been confirmed by published functional studies and their clinical significance is uncertain. This variant has not been reported in the literature in individuals with GRN-related disease. This variant is not present in population databases (ExAC no frequency). This sequence change replaces leucine with phenylalanine at codon 270 of the GRN protein (p.Leu270Phe). The leucine residue is moderately conserved and there is a small physicochemical difference between leucine and phenylalanine.